The following is an entry in ClinVar:

NM_002230.4(JUP):c.762C>T (p.Leu254=)

Gene: JUP (junction plakoglobin; minus strand). Cytogenetic location: 17q21.2.
Variant type: single nucleotide variant.
Coding change: c.762C>T on transcript NM_002230.4 (MANE Select); coding-DNA position 762, C replaced by T.
Protein change: p.Leu254=; no amino-acid change (leucine 254 retained).
Molecular consequence: synonymous variant.
Genome position (GRCh38, 1-based): chr17:41,767,526, G>A on the plus strand (C>T on the coding strand, the complement: JUP is on the minus strand). VCF-style: chr17-41767526-G-A. GRCh37 (hg19) VCF-style: chr17-39923778-G-A.
Other names: c.762C>T, p.Leu254= (NM_001352773.2, NM_001352774.2, NM_001352775.2 and 3 more transcripts).
Identifiers: ClinVar variation 227452 (VCV000227452.19), dbSNP rs781805854, ClinGen allele CA8565384.

ClinVar aggregate classification (germline): Benign/Likely benign. Review status: criteria provided, multiple submitters, no conflicts (2 of 4 stars). 4 submissions from 4 submitters: Benign (1); Likely benign (3). Last evaluated 2025-09-18.

Conditions:
Cardiovascular phenotype. Identifiers: MedGen CN230736.
Arrhythmogenic right ventricular dysplasia 12. Also called: ARRHYTHMOGENIC RIGHT VENTRICULAR DYSPLASIA, FAMILIAL, 12. Identifiers: MedGen C1969081, MONDO:0012684, OMIM 611528.
Naxos disease (NXD). Also called: PALMOPLANTAR KERATODERMA WITH ARRHYTHMOGENIC RIGHT VENTRICULAR CARDIOMYOPATHY AND WOOLLY HAIR; WOOLLY HAIR, PALMOPLANTAR KERATODERMA, AND CARDIAC ABNORMALITIES; KERATOSIS PALMOPLANTARIS WITH ARRHYTHMOGENIC CARDIOMYOPATHY; MAL DE NAXOS; CARDIOMYOPATHY, ARRHYTHMOGENIC RIGHT VENTRICULAR, WITH SKIN, HAIR, AND NAIL ABNORMALITIES. Identifiers: Orphanet 34217, MedGen C1832600, MONDO:0011017, OMIM 601214.

Allele frequency attached by ClinVar (database versions not stated): gnomAD exomes below 0.00001; ExAC 0.00001; TOPMed 0.00002; gnomAD 0.00006.
gnomAD v4.1: 55 of 1,610,904 alleles (0.0034%); highest among the groups gnomAD compares: East Asian, 0.0045%; no homozygotes.

Submissions (4):

Labcorp Genetics (formerly Invitae), Labcorp
Classification: Likely benign for Arrhythmogenic right ventricular dysplasia 12; Naxos disease. Last evaluated: 2025-09-18. Review status: criteria provided, single submitter. Criteria: Invitae Variant Classification Sherloc (09022015). Collection method: clinical testing. Allele origin: germline.

Ambry Genetics
Classification: Likely benign for Cardiovascular phenotype. Last evaluated: 2016-10-14. Review status: criteria provided, single submitter. Criteria: Ambry Variant Classification Scheme 2023. Collection method: clinical testing. Allele origin: germline.

Laboratory for Molecular Medicine, Mass General Brigham Personalized Medicine
Classification: Likely benign. Last evaluated: 2015-04-13. Review status: criteria provided, single submitter. Criteria: LMM Criteria. Collection method: clinical testing. Allele origin: germline. Observed: 1 variant allele.
Comment: p.Leu254Leu in exon 5 of JUP: This variant is not expected to have clinical sign ificance because it does not alter an amino acid residue and is not located with in the splice consensus sequence. It has also been identified in 1/66558 of Euro pean chromosomes by the Exome Aggregation Consortium (ExAC).

GeneDx
Classification: Benign. Last evaluated: 2015-03-06. Review status: criteria provided, single submitter. Criteria: GeneDx Variant Classification Process June 2021. Collection method: clinical testing. Allele origin: germline. Affected: yes.